The following is an entry in ClinVar:

ClinVar aggregate classification (germline): Pathogenic (1 of 4 stars; one submission).

Conditions:
Primary ciliary dyskinesia. Also called: Ciliary dyskinesia. Identifiers: Orphanet 244, MedGen C0008780, MONDO:0016575, HP:0012265.

Submission:

Labcorp Genetics (formerly Invitae), Labcorp
Classification: Pathogenic for Primary ciliary dyskinesia. Last evaluated: 2025-06-09. Review status: criteria provided, single submitter. Criteria: Invitae Variant Classification Sherloc (09022015). Collection method: clinical testing. Allele origin: germline.
Comment: This sequence change creates a premature translational stop signal (p.Ala416Valfs*27) in the RSPH4A gene. It is expected to result in an absent or disrupted protein product. Loss-of-function variants in RSPH4A are known to be pathogenic (PMID: 19200523). This variant is not present in population databases (gnomAD no frequency). This variant has not been reported in the literature in individuals affected with RSPH4A-related conditions. Algorithms developed to predict the effect of sequence changes on RNA splicing suggest that this variant may create or strengthen a splice site. For these reasons, this variant has been classified as Pathogenic.

Literature cited by the submitters: PubMed 19200523.

NM_001010892.3(RSPH4A):c.1247del (p.Ala416fs)

Gene: RSPH4A (radial spoke head component 4A; plus strand). Cytogenetic location: 6q22.1.
Variant type: Deletion.
Coding change: c.1247del on transcript NM_001010892.3 (MANE Select); coding-DNA position 1247, one base deleted (C; older notation c.1247delC).
Protein change: p.Ala416fs; shifts the reading frame from alanine 416.
Molecular consequence: frameshift variant.
Genome position (GRCh38, 1-based): chr6:116,627,954, C deleted. VCF-style (leftmost placement, unchanged base first): chr6-116627953-GC-G. GRCh37 (hg19) VCF-style: chr6-116949116-GC-G.
Other names: c.1247del, p.Ala416fs (NM_001161664.2); short protein forms A416fs.
Identifiers: ClinVar variation 4721068 (VCV004721068.1).
Genomic context (GRCh38, chr6:116,627,953, plus strand): 5'-AGTGAAGCTCATGAAGATGAGGAAGATGAATTACCAAAGTCCTTTTACAAGGCCCCACAG[GC>G]TATACCAAAAGAAGAAAGTAGAACAGGTGCCAACAAATATGTCTATTTTGTTTGCAATGA-3'